The following is an entry in ClinVar:

NM_000083.3(CLCN1):c.601G>A (p.Val201Ile)

Gene: CLCN1 (chloride voltage-gated channel 1; plus strand). Cytogenetic location: 7q34.
Variant type: single nucleotide variant.
Coding change: c.601G>A on transcript NM_000083.3 (MANE Select); coding-DNA position 601, G replaced by A.
Protein change: p.Val201Ile; replaces valine 201 with isoleucine.
Molecular consequence: missense variant. On other transcripts: non-coding transcript variant (1).
Genome position (GRCh38, 1-based): chr7:143,321,753, G>A. VCF-style: chr7-143321753-G-A. GRCh37 (hg19) VCF-style: chr7-143018846-G-A.
Other names: short protein forms V201I.
Identifiers: ClinVar variation 661828 (VCV000661828.8), dbSNP rs769612798, ClinGen allele CA4537013.

ClinVar aggregate classification (germline): Uncertain significance. Review status: criteria provided, multiple submitters, no conflicts (2 of 4 stars). 2 submissions from 2 submitters: Uncertain significance (2). Last evaluated 2025-12-27.

Conditions:
Congenital myotonia, autosomal dominant form (THD). Also called: THOMSEN DISEASE; Myotonia congenita autosomal dominant. Identifiers: Orphanet 614, MedGen C2936781, MONDO:0008055, OMIM 160800.
Congenital myotonia, autosomal recessive form. Also called: BECKER DISEASE; Becker Generalized Myotonia; myotonia congenita, autosomal recessive. Identifiers: Orphanet 614, MedGen C0751360, MONDO:0009715, OMIM 255700.

Allele frequency attached by ClinVar (database versions not stated): ExAC 0.00001; gnomAD 0.00001; TOPMed 0.00001; gnomAD exomes 0.00002.
gnomAD v4.1: 43 of 1,614,110 alleles (0.0027%); highest among the groups gnomAD compares: Non-Finnish European, 0.0036%; no homozygotes.

Submissions (2):

Labcorp Genetics (formerly Invitae), Labcorp
Classification: Uncertain significance for Congenital myotonia, autosomal recessive form; Congenital myotonia, autosomal dominant form. Last evaluated: 2025-12-27. Review status: criteria provided, single submitter. Criteria: Invitae Variant Classification Sherloc (09022015). Collection method: clinical testing. Allele origin: germline.
Comment: This sequence change replaces valine, which is neutral and non-polar, with isoleucine, which is neutral and non-polar, at codon 201 of the CLCN1 protein (p.Val201Ile). The frequency data for this variant in the population databases is considered unreliable, as metrics indicate poor data quality at this position in the gnomAD database. This variant has not been reported in the literature in individuals affected with CLCN1-related conditions. ClinVar contains an entry for this variant (Variation ID: 661828). Invitae Evidence Modeling of protein sequence and biophysical properties (such as structural, functional, and spatial information, amino acid conservation, physicochemical variation, residue mobility, and thermodynamic stability) indicates that this missense variant is expected to disrupt CLCN1 protein function with a positive predictive value of 95%. In summary, the available evidence is currently insufficient to determine the role of this variant in disease. Therefore, it has been classified as a Variant of Uncertain Significance.

Revvity Omics, Revvity
Classification: Uncertain significance. Last evaluated: 2020-02-24. Review status: criteria provided, single submitter. Criteria: ACMG Guidelines, 2015. Collection method: clinical testing. Allele origin: germline.